The following is an entry in ClinVar:

ClinVar aggregate classification (germline): Uncertain significance. Review status: criteria provided, multiple submitters, no conflicts (2 of 4 stars). 2 submissions from 2 submitters: Uncertain significance (2). Last evaluated 2024-07-09.

Conditions:
Autoimmune interstitial lung disease-arthritis syndrome. Also called: Autoinflammation and autoimmunity, systemic, with immune dysregulation. Identifiers: Orphanet 444092, MedGen C5975714, MONDO:0014629.
Inborn genetic diseases. Identifiers: MedGen C0950123, MeSH D030342.

gnomAD v4.1: 18 of 1,614,164 alleles (0.0011%); highest among the groups gnomAD compares: Non-Finnish European, 0.0014%; no homozygotes.

Submissions (2):

Ambry Genetics
Classification: Uncertain significance for Inborn genetic diseases. Last evaluated: 2024-07-09. Review status: criteria provided, single submitter. Criteria: Ambry Variant Classification Scheme 2023. Collection method: clinical testing. Allele origin: germline.

Labcorp Genetics (formerly Invitae), Labcorp
Classification: Uncertain significance for Autoimmune interstitial lung disease-arthritis syndrome. Last evaluated: 2021-12-12. Review status: criteria provided, single submitter. Criteria: Invitae Variant Classification Sherloc (09022015). Collection method: clinical testing. Allele origin: germline.
Comment: In summary, the available evidence is currently insufficient to determine the role of this variant in disease. Therefore, it has been classified as a Variant of Uncertain Significance. Advanced modeling of protein sequence and biophysical properties (such as structural, functional, and spatial information, amino acid conservation, physicochemical variation, residue mobility, and thermodynamic stability) performed at Invitae indicates that this missense variant is not expected to disrupt COPA protein function. This variant has not been reported in the literature in individuals affected with COPA-related conditions. This variant is not present in population databases (gnomAD no frequency). This sequence change replaces leucine, which is neutral and non-polar, with phenylalanine, which is neutral and non-polar, at codon 870 of the COPA protein (p.Leu870Phe).

NM_004371.4(COPA):c.2608C>T (p.Leu870Phe)

Gene: COPA (coat protein complex I subunit alpha; minus strand). Cytogenetic location: 1q23.2.
Variant type: single nucleotide variant.
Coding change: c.2608C>T on transcript NM_004371.4 (MANE Select); coding-DNA position 2608, C replaced by T.
Protein change: p.Leu870Phe; replaces leucine 870 with phenylalanine.
Molecular consequence: missense variant.
Genome position (GRCh38, 1-based): chr1:160,294,552, G>A on the plus strand (C>T on the coding strand, the complement: COPA is on the minus strand). VCF-style: chr1-160294552-G-A. GRCh37 (hg19) VCF-style: chr1-160264342-G-A.
Other names: c.2635C>T (NM_001098398.1); c.2635C>T, p.Leu879Phe (NM_001098398.2); short protein forms L879F, L870F.
Identifiers: ClinVar variation 1445946 (VCV001445946.7), dbSNP rs1222094117, ClinGen allele CA343275565.